The following is an entry in ClinVar:

ClinVar aggregate classification (germline): Pathogenic (1 of 4 stars; one submission).

Conditions:
Bloom syndrome (BLM). Also called: Bloom-Torre-Machacek syndrome. Identifiers: Orphanet 125, MedGen C0005859, MONDO:0008876, OMIM 210900.

Submission:

Myriad Genetics, Inc.
Classification: Pathogenic for Bloom syndrome. Last evaluated: 2026-04-24. Review status: criteria provided, single submitter. Criteria: Myriad Autosomal Dominant, Autosomal Recessive and X-Linked Classification Criteria (2023). Collection method: clinical testing. Allele origin: unknown.
Comment: This variant is considered pathogenic. This variant creates a frameshift predicted to result in premature protein truncation.

NC_000015.10:g.90784923_90784933del

Gene: BLM (BLM RecQ like helicase; plus strand). Cytogenetic location: 15q26.1.
Variant type: Deletion.
Genome position: GRCh38 VCF-style: chr15-90784919-AGATGATTCAGG-A. GRCh37 (hg19) VCF-style: chr15-91328149-AGATGATTCAGG-A.
Identifiers: ClinVar variation 4876109 (VCV004876109.1).